The following is an entry in ClinVar:

ClinVar aggregate classification (germline): Uncertain significance. Review status: criteria provided, multiple submitters, no conflicts (2 of 4 stars). 2 submissions from 2 submitters: Uncertain significance (2). Last evaluated 2025-05-25.

Conditions:
Hereditary cancer-predisposing syndrome. Also called: Hereditary neoplastic syndrome; Neoplastic Syndromes, Hereditary; Tumor predisposition; Hereditary Cancer Syndrome. Identifiers: Orphanet 140162, MedGen C0027672, MeSH D009386, MONDO:0015356.

Allele frequency attached by ClinVar (database versions not stated): gnomAD exomes below 0.00001 and 0.00001.
gnomAD v4.1: 3 of 1,609,832 alleles (0.00019%); highest among the groups gnomAD compares: South Asian, 0.0011%; no homozygotes.

Submissions (2):

Labcorp Genetics (formerly Invitae), Labcorp
Classification: Uncertain significance. Last evaluated: 2025-05-25. Review status: criteria provided, single submitter. Criteria: Invitae Variant Classification Sherloc (09022015). Collection method: clinical testing. Allele origin: germline.
Comment: This sequence change replaces lysine, which is basic and polar, with arginine, which is basic and polar, at codon 429 of the CTNNA1 protein (p.Lys429Arg). This variant is present in population databases (no rsID available, gnomAD 0.003%). This variant has not been reported in the literature in individuals affected with CTNNA1-related conditions. ClinVar contains an entry for this variant (Variation ID: 942602). Invitae Evidence Modeling of protein sequence and biophysical properties (such as structural, functional, and spatial information, amino acid conservation, physicochemical variation, residue mobility, and thermodynamic stability) indicates that this missense variant is not expected to disrupt CTNNA1 protein function with a negative predictive value of 80%. In summary, the available evidence is currently insufficient to determine the role of this variant in disease. Therefore, it has been classified as a Variant of Uncertain Significance.

Ambry Genetics
Classification: Uncertain significance for Hereditary cancer-predisposing syndrome. Last evaluated: 2024-04-12. Review status: criteria provided, single submitter. Criteria: Ambry Variant Classification Scheme 2023. Collection method: clinical testing. Allele origin: germline.
Comment: The p.K429R variant (also known as c.1286A>G), located in coding exon 8 of the CTNNA1 gene, results from an A to G substitution at nucleotide position 1286. The lysine at codon 429 is replaced by arginine, an amino acid with highly similar properties. This amino acid position is conserved. In addition, the in silico prediction for this alteration is inconclusive. Since supporting evidence is limited at this time, the clinical significance of this alteration remains unclear.

NM_001903.5(CTNNA1):c.1286A>G (p.Lys429Arg)

Gene: CTNNA1 (catenin alpha 1; plus strand). Cytogenetic location: 5q31.2.
Variant type: single nucleotide variant.
Coding change: c.1286A>G on transcript NM_001903.5 (MANE Select); coding-DNA position 1286, A replaced by G.
Protein change: p.Lys429Arg; replaces lysine 429 with arginine.
Molecular consequence: missense variant. On other transcripts: 5 prime UTR variant (5), intron variant (2).
Genome position (GRCh38, 1-based): chr5:138,887,632, A>G. VCF-style: chr5-138887632-A-G. GRCh37 (hg19) VCF-style: chr5-138223321-A-G.
Other names: c.1286A>G, p.Lys429Arg (NM_001290307.3, NM_001323982.2, NM_001323983.1 and 3 more transcripts); c.977A>G, p.Lys326Arg (NM_001290309.3); c.917A>G, p.Lys306Arg (NM_001290310.3); c.176A>G, p.Lys59Arg (NM_001290312.1, NM_001323987.1, NM_001323988.1 and 18 more transcripts); c.-222A>G (NM_001324006.1, NM_001324007.1, NM_001324008.1 and 1 more transcripts); c.-97A>G (NM_001324013.1); c.-58+12035A>G (NM_001324012.1); c.-61+12035A>G (NM_001324010.1); short protein forms K429R, K306R, K326R, K59R.
Identifiers: ClinVar variation 942602 (VCV000942602.13), dbSNP rs1311867806, ClinGen allele CA361133254.